The following is an entry in ClinVar:

NM_000535.7(PMS2):c.68T>G (p.Val23Gly)

Gene: PMS2 (PMS1 homolog 2, mismatch repair system component; minus strand). Cytogenetic location: 7p22.1.
Variant type: single nucleotide variant.
Coding change: c.68T>G on transcript NM_000535.7 (MANE Select); coding-DNA position 68, T replaced by G.
Protein change: p.Val23Gly; replaces valine 23 with glycine.
Molecular consequence: missense variant. On other transcripts: 5 prime UTR variant (8), non-coding transcript variant (1), intron variant (3).
Genome position (GRCh38, 1-based): chr7:6,005,987, A>C on the plus strand (T>G on the coding strand, the complement: PMS2 is on the minus strand). VCF-style: chr7-6005987-A-C. GRCh37 (hg19) VCF-style: chr7-6045618-A-C.
Other names: c.-338T>G (NM_001322003.2, NM_001322005.2, NM_001322009.2 and 1 more transcripts); c.68T>G, p.Val23Gly (NM_001322006.2, NM_001322014.2); c.-148T>G (NM_001322007.2); c.-817T>G (NM_001322011.2, NM_001322012.2); c.-417T>G (NM_001322015.2); c.-52-1929T>G (NM_001322008.2); c.-242-1929T>G (NM_001322010.2, NM_001322004.2); short protein forms V23G.
Identifiers: ClinVar variation 411021 (VCV000411021.10), dbSNP rs1060503114, ClinGen allele CA16612157.

ClinVar aggregate classification (germline): Uncertain significance (1 of 4 stars; one submission).

Conditions:
Hereditary nonpolyposis colorectal neoplasms. Identifiers: MedGen C0009405, MeSH D003123.

Submission:

Labcorp Genetics (formerly Invitae), Labcorp
Classification: Uncertain significance for Hereditary nonpolyposis colorectal neoplasms. Last evaluated: 2022-08-16. Review status: criteria provided, single submitter. Criteria: Invitae Variant Classification Sherloc (09022015). Collection method: clinical testing. Allele origin: germline.
Comment: In summary, the available evidence is currently insufficient to determine the role of this variant in disease. Therefore, it has been classified as a Variant of Uncertain Significance. Algorithms developed to predict the effect of missense changes on protein structure and function (SIFT, PolyPhen-2, Align-GVGD) all suggest that this variant is likely to be disruptive. ClinVar contains an entry for this variant (Variation ID: 411021). This variant has not been reported in the literature in individuals affected with PMS2-related conditions. This variant is not present in population databases (gnomAD no frequency). This sequence change replaces valine, which is neutral and non-polar, with glycine, which is neutral and non-polar, at codon 23 of the PMS2 protein (p.Val23Gly).